The following is an entry in ClinVar:

ClinVar aggregate classification (germline): Uncertain significance (1 of 4 stars; one submission).

Conditions:
ANKRD17-related disorder. Also called: ANKRD17-related condition.

Allele frequency attached by ClinVar (database versions not stated): gnomAD 0.00002; TOPMed 0.00003.
gnomAD v4.1: 4 of 1,559,652 alleles (0.00026%); highest among the groups gnomAD compares: African/African-American, 0.0028%; no homozygotes.

Submission:

PreventionGenetics, part of Exact Sciences
Classification: Uncertain significance for ANKRD17-related condition. Last evaluated: 2023-05-17. Review status: criteria provided, single submitter. Criteria: ACMG Guidelines, 2015. Collection method: clinical testing. Allele origin: germline.
Comment: The ANKRD17 c.7409A>G variant is predicted to result in the amino acid substitution p.Asp2470Gly. To our knowledge, this variant has not been reported in the literature or in a large population database, indicating this variant is rare. At this time, the clinical significance of this variant is uncertain due to the absence of conclusive functional and genetic evidence.

NM_032217.5(ANKRD17):c.7409A>G (p.Asp2470Gly)

Gene: ANKRD17 (ankyrin repeat domain 17; minus strand). Cytogenetic location: 4q13.3.
Variant type: single nucleotide variant.
Coding change: c.7409A>G on transcript NM_032217.5 (MANE Select); coding-DNA position 7409, A replaced by G.
Protein change: p.Asp2470Gly; replaces aspartic acid 2470 with glycine.
Molecular consequence: missense variant.
Genome position (GRCh38, 1-based): chr4:73,077,533, T>C on the plus strand (A>G on the coding strand, the complement: ANKRD17 is on the minus strand). VCF-style: chr4-73077533-T-C. GRCh37 (hg19) VCF-style: chr4-73943250-T-C.
Other names: c.7070A>G, p.Asp2357Gly (NM_001286771.3); c.7406A>G, p.Asp2469Gly (NM_015574.2); c.6656A>G, p.Asp2219Gly (NM_198889.3); short protein forms D2219G, D2357G, D2469G, D2470G.
Identifiers: ClinVar variation 2632899 (VCV002632899.1), dbSNP rs1721118591, ClinGen allele CA357205836.
Genomic context (GRCh38, chr4:73,077,533, plus strand): 5'-TCAGACATCGGTCTGTGGATCATAGGATTTCCCATCCCAGGGTTACACCAGTCTACTTTG[T>C]CTGAGGGCAAACAAAGAGGCAAAACAAAAATAGATAATATTTAAAATCAAAATCAAATAT-3'
Protein context (NP_115593.3, residues 2460-2480): WSFEGIGGNQ[Asp2470Gly]KVDWCNPGMG